The following is an entry in ClinVar:

ClinVar aggregate classification (germline): Uncertain significance (1 of 4 stars; one submission).

gnomAD v4.1: 3 of 1,188,726 alleles (0.00025%); highest among the groups gnomAD compares: African/African-American, 0.0018%; no homozygotes.

Submission:

GeneDx
Classification: Uncertain significance. Last evaluated: 2025-04-04. Review status: criteria provided, single submitter. Criteria: GeneDx Variant Classification Process June 2021. Collection method: clinical testing. Allele origin: germline.
Comment: Not observed at significant frequency in large population cohorts (gnomAD); In silico analysis supports that this missense variant has a deleterious effect on protein structure/function; Has not been previously published as pathogenic or benign to our knowledge

NM_001042750.2(STAG2):c.329G>A (p.Arg110Gln)

Gene: STAG2 (STAG2 cohesin complex component; plus strand). Cytogenetic location: Xq25.
Variant type: single nucleotide variant.
Coding change: c.329G>A on transcript NM_001042750.2 (MANE Select); coding-DNA position 329, G replaced by A.
Protein change: p.Arg110Gln; replaces arginine 110 with glutamine.
Molecular consequence: missense variant.
Genome position (GRCh38, 1-based): chrX:124,037,567, G>A. VCF-style: chrX-124037567-G-A. GRCh37 (hg19) VCF-style: chrX-123171417-G-A.
Other names: c.329G>A, p.Arg110Gln (NM_001375374.1, NM_001375375.1, NM_001375376.1 and 13 more transcripts); short protein forms R110Q.
Identifiers: ClinVar variation 3767490 (VCV003767490.2).